The following is an entry in ClinVar:

NM_016169.4(SUFU):c.730A>G (p.Ile244Val)

Gene: SUFU (SUFU negative regulator of hedgehog signaling; plus strand). Cytogenetic location: 10q24.32.
Variant type: single nucleotide variant.
Coding change: c.730A>G on transcript NM_016169.4 (MANE Select); coding-DNA position 730, A replaced by G.
Protein change: p.Ile244Val; replaces isoleucine 244 with valine.
Molecular consequence: missense variant.
Genome position (GRCh38, 1-based): chr10:102,594,039, A>G. VCF-style: chr10-102594039-A-G. GRCh37 (hg19) VCF-style: chr10-104353796-A-G.
Other names: c.730A>G, p.Ile244Val (NM_001178133.2); short protein forms I244V.
Identifiers: ClinVar variation 1758240 (VCV001758240.5), dbSNP rs1378645161, ClinGen allele CA377909856.

ClinVar aggregate classification (germline): Uncertain significance. Review status: criteria provided, multiple submitters, no conflicts (2 of 4 stars). 3 submissions from 3 submitters: Uncertain significance (3). Last evaluated 2025-07-22.

Conditions:
SUFU-related disorder. Also called: SUFU-related condition; SUFU-related disorders.
Medulloblastoma (MDB). Also called: MEDULLOBLASTOMA PREDISPOSITION SYNDROME; Medulloblastoma, somatic. Identifiers: Orphanet 616, MedGen C0025149, MeSH D008527, MONDO:0007959, OMIM 155255, HP:0002885.
Gorlin syndrome. Also called: Nevoid Basal Cell Carcinoma Syndrome; Basal cell nevus syndrome. Identifiers: Orphanet 377, MedGen C0004779, MONDO:0007187.
Hereditary cancer-predisposing syndrome. Also called: Neoplastic Syndromes, Hereditary; Tumor predisposition; Hereditary neoplastic syndrome; Hereditary Cancer Syndrome. Identifiers: Orphanet 140162, MedGen C0027672, MeSH D009386, MONDO:0015356.

Allele frequency attached by ClinVar (database versions not stated): gnomAD 0.00001; TOPMed 0.00001.
gnomAD v4.1: 1 of 1,613,454 alleles (0.000062%); highest among the groups gnomAD compares: East Asian, 0.0022%; no homozygotes.

Submissions (3):

Labcorp Genetics (formerly Invitae), Labcorp
Classification: Uncertain significance for Gorlin syndrome; Medulloblastoma. Last evaluated: 2025-07-22. Review status: criteria provided, single submitter. Criteria: Invitae Variant Classification Sherloc (09022015). Collection method: clinical testing. Allele origin: germline.
Comment: This sequence change replaces isoleucine, which is neutral and non-polar, with valine, which is neutral and non-polar, at codon 244 of the SUFU protein (p.Ile244Val). This variant is not present in population databases (gnomAD no frequency). This variant has not been reported in the literature in individuals affected with SUFU-related conditions. ClinVar contains an entry for this variant (Variation ID: 1758240). Invitae Evidence Modeling of protein sequence and biophysical properties (such as structural, functional, and spatial information, amino acid conservation, physicochemical variation, residue mobility, and thermodynamic stability) indicates that this missense variant is not expected to disrupt SUFU protein function with a negative predictive value of 80%. In summary, the available evidence is currently insufficient to determine the role of this variant in disease. Therefore, it has been classified as a Variant of Uncertain Significance.

Ambry Genetics
Classification: Uncertain significance for Hereditary cancer-predisposing syndrome. Last evaluated: 2024-06-27. Review status: criteria provided, single submitter. Criteria: Ambry Variant Classification Scheme 2023. Collection method: clinical testing. Allele origin: germline.
Comment: The p.I244V variant (also known as c.730A>G), located in coding exon 6 of the SUFU gene, results from an A to G substitution at nucleotide position 730. The isoleucine at codon 244 is replaced by valine, an amino acid with highly similar properties. This amino acid position is highly conserved in available vertebrate species. In addition, the in silico prediction for this alteration is inconclusive. Based on the available evidence, the clinical significance of this variant remains unclear.

PreventionGenetics, part of Exact Sciences
Classification: Uncertain significance for SUFU-related condition. Last evaluated: 2023-07-10. Review status: criteria provided, single submitter. Criteria: ACMG Guidelines, 2015. Collection method: clinical testing. Allele origin: germline.
Comment: The SUFU c.730A>G variant is predicted to result in the amino acid substitution p.Ile244Val. To our knowledge, this variant has not been reported in the literature or in a large population database, indicating this variant is rare. This variant is classified as uncertain in ClinVar. At this time, the clinical significance of this variant is uncertain due to the absence of conclusive functional and genetic evidence.